The following is an entry in ClinVar:

NM_001112704.2(VAX1):c.551dup (p.Arg186fs)

Gene: VAX1 (ventral anterior homeobox 1; minus strand). Cytogenetic location: 10q25.3.
Variant type: Duplication.
Coding change: c.551dup on transcript NM_001112704.2 (MANE Select); coding-DNA position 551, one base duplicated (A; older notation c.551dupA).
Protein change: p.Arg186fs; shifts the reading frame from arginine 186.
Molecular consequence: frameshift variant. On other transcripts: intron variant (1).
Genome position (GRCh38, 1-based): chr10:117,134,462, T duplicated on the plus strand (A on the coding strand, the reverse complement: VAX1 is on the minus strand). VCF-style (leftmost placement, unchanged base first): chr10-117134461-C-CT. GRCh37 (hg19) VCF-style: chr10-118893972-C-CT.
Other names: c.430-1985dup (NM_199131.3); short protein forms R186fs.
Identifiers: ClinVar variation 3628047 (VCV003628047.2).

ClinVar aggregate classification (germline): Uncertain significance (1 of 4 stars; one submission).

Conditions:
Microphthalmia, syndromic 11 (MCOPS11). Identifiers: MedGen C3553077, MONDO:0013734, OMIM 614402.

Submission:

Labcorp Genetics (formerly Invitae), Labcorp
Classification: Uncertain significance for Microphthalmia, syndromic 11. Last evaluated: 2024-11-19. Review status: criteria provided, single submitter. Criteria: Invitae Variant Classification Sherloc (09022015). Collection method: clinical testing. Allele origin: germline.
Comment: This sequence change creates a premature translational stop signal (p.Arg186Profs*140) in the VAX1 gene. While this is not anticipated to result in nonsense mediated decay, it is expected to disrupt the last 149 amino acid(s) of the VAX1 protein. This variant is not present in population databases (gnomAD no frequency). This variant has not been reported in the literature in individuals affected with VAX1-related conditions. Experimental studies and prediction algorithms are not available or were not evaluated, and the functional significance of this variant is currently unknown. In summary, the available evidence is currently insufficient to determine the role of this variant in disease. Therefore, it has been classified as a Variant of Uncertain Significance.